The following is an entry in ClinVar:

NM_001378328.1(CELSR1):c.5066C>T (p.Pro1689Leu)

Gene: CELSR1 (cadherin EGF LAG seven-pass G-type receptor 1; minus strand). Cytogenetic location: 22q13.31.
Variant type: single nucleotide variant.
Coding change: c.5066C>T on transcript NM_001378328.1 (MANE Select); coding-DNA position 5066, C replaced by T.
Protein change: p.Pro1689Leu; replaces proline 1689 with leucine.
Molecular consequence: missense variant.
Genome position (GRCh38, 1-based): chr22:46,409,156, G>A on the plus strand (C>T on the coding strand, the complement: CELSR1 is on the minus strand). VCF-style: chr22-46409156-G-A. GRCh37 (hg19) VCF-style: chr22-46805053-G-A.
Other names: c.5066C>T, p.Pro1689Leu (NM_014246.4); short protein forms P1689L.
Identifiers: ClinVar variation 1316212 (VCV001316212.2), dbSNP rs2147324820, ClinGen allele CA411951372.

ClinVar aggregate classification (germline): Uncertain significance (1 of 4 stars; one submission).

Allele frequency attached by ClinVar (database versions not stated): gnomAD exomes below 0.00001.
gnomAD v4.1: 1 of 1,612,912 alleles (0.000062%); highest among the groups gnomAD compares: Non-Finnish European, 0.000085%; no homozygotes.

Submission:

GeneDx
Classification: Uncertain significance. Last evaluated: 2019-09-25. Review status: criteria provided, single submitter. Criteria: GeneDx Variant Classification Process June 2021. Collection method: clinical testing. Allele origin: germline. Affected: yes.
Comment: Not observed in large population cohorts (Lek et al., 2016); In silico analysis, which includes protein predictors and evolutionary conservation, supports a deleterious effect; Has not been previously published as pathogenic or benign to our knowledge